The following is an entry in ClinVar:

ClinVar aggregate classification (germline): Uncertain significance (1 of 4 stars; one submission).

Conditions:
Charcot-Marie-Tooth disease axonal type 2O. Also called: CHARCOT-MARIE-TOOTH NEUROPATHY, AXONAL, TYPE 2O; CHARCOT-MARIE-TOOTH DISEASE, AXONAL, AUTOSOMAL DOMINANT, TYPE 2O; Charcot-Marie-Tooth Neuropathy Type 2O; Charcot-Marie-Tooth disease, axonal, type 20. Identifiers: Orphanet 284232, MedGen C3280220, MONDO:0013644, OMIM 614228.

Allele frequency attached by ClinVar (database versions not stated): gnomAD 0.00001.
gnomAD v4.1: 1 of 1,613,878 alleles (0.000062%); highest among the groups gnomAD compares: Admixed American, 0.0017%; no homozygotes.

Submission:

Labcorp Genetics (formerly Invitae), Labcorp
Classification: Uncertain significance for Charcot-Marie-Tooth disease axonal type 2O. Last evaluated: 2020-07-27. Review status: criteria provided, single submitter. Criteria: Invitae Variant Classification Sherloc (09022015). Collection method: clinical testing. Allele origin: germline.
Comment: Algorithms developed to predict the effect of missense changes on protein structure and function are either unavailable or do not agree on the potential impact of this missense change (SIFT: "Tolerated"; PolyPhen-2: "Possibly Damaging"; Align-GVGD: "Class C0"). In summary, the available evidence is currently insufficient to determine the role of this variant in disease. Therefore, it has been classified as a Variant of Uncertain Significance. This variant has not been reported in the literature in individuals with DYNC1H1-related conditions. This variant is not present in population databases (ExAC no frequency). This sequence change replaces glutamine with histidine at codon 684 of the DYNC1H1 protein (p.Gln684His). The glutamine residue is moderately conserved and there is a small physicochemical difference between glutamine and histidine.

NM_001376.5(DYNC1H1):c.2052G>C (p.Gln684His)

Gene: DYNC1H1 (dynein cytoplasmic 1 heavy chain 1; plus strand). Cytogenetic location: 14q32.31.
Variant type: single nucleotide variant.
Coding change: c.2052G>C on transcript NM_001376.5 (MANE Select); coding-DNA position 2052, G replaced by C.
Protein change: p.Gln684His; replaces glutamine 684 with histidine.
Molecular consequence: missense variant.
Genome position (GRCh38, 1-based): chr14:101,986,277, G>C. VCF-style: chr14-101986277-G-C. GRCh37 (hg19) VCF-style: chr14-102452614-G-C.
Other names: short protein forms Q684H.
Identifiers: ClinVar variation 1043712 (VCV001043712.8), dbSNP rs1462327866, ClinGen allele CA391020468.